The following is an entry in ClinVar:

NM_024301.5(FKRP):c.1309C>A (p.Gln437Lys)

Gene: FKRP (fukutin related protein; plus strand). Cytogenetic location: 19q13.32.
Variant type: single nucleotide variant.
Coding change: c.1309C>A on transcript NM_024301.5 (MANE Select); coding-DNA position 1309, C replaced by A.
Protein change: p.Gln437Lys; replaces glutamine 437 with lysine.
Molecular consequence: missense variant.
Genome position (GRCh38, 1-based): chr19:46,756,759, C>A. VCF-style: chr19-46756759-C-A. GRCh37 (hg19) VCF-style: chr19-47260016-C-A.
Other names: c.1309C>A, p.Gln437Lys (NM_001039885.3); short protein forms Q437K.
Identifiers: ClinVar variation 852043 (VCV000852043.7), dbSNP rs2054936900, ClinGen allele CA406497099.

ClinVar aggregate classification (germline): Uncertain significance (1 of 4 stars; one submission).

Conditions:
Walker-Warburg congenital muscular dystrophy. Also called: Muscular dystrophy-dystroglycanopathy, type A; Walker-Warburg syndrome. Identifiers: Orphanet 899, MedGen C0265221, MONDO:0000171.

Submission:

Labcorp Genetics (formerly Invitae), Labcorp
Classification: Uncertain significance for Walker-Warburg congenital muscular dystrophy. Last evaluated: 2021-08-31. Review status: criteria provided, single submitter. Criteria: Invitae Variant Classification Sherloc (09022015). Collection method: clinical testing. Allele origin: germline.
Comment: This sequence change replaces glutamine with lysine at codon 437 of the FKRP protein (p.Gln437Lys). The glutamine residue is highly conserved and there is a small physicochemical difference between glutamine and lysine. This variant is not present in population databases (ExAC no frequency). This variant has not been reported in the literature in individuals affected with FKRP-related conditions. Algorithms developed to predict the effect of missense changes on protein structure and function are either unavailable or do not agree on the potential impact of this missense change (SIFT: "Tolerated"; PolyPhen-2: "Probably Damaging"; Align-GVGD: "Class C0"). In summary, the available evidence is currently insufficient to determine the role of this variant in disease. Therefore, it has been classified as a Variant of Uncertain Significance.